The following is an entry in ClinVar:

NM_001195305.3(BBIP1):c.38-6091C>T

Gene: BBIP1 (BBSome interacting protein 1; minus strand). Cytogenetic location: 10q25.2.
Variant type: single nucleotide variant.
Coding change: c.38-6091C>T on transcript NM_001195305.3 (MANE Select); 6091 bases into the intron before coding-DNA position 38, C replaced by T.
Molecular consequence: intron variant. On other transcripts: synonymous variant (1).
Genome position (GRCh38, 1-based): chr10:110,907,703, G>A on the plus strand (C>T on the coding strand, the complement: BBIP1 is on the minus strand). VCF-style: chr10-110907703-G-A. GRCh37 (hg19) VCF-style: chr10-112667461-G-A.
Other names: c.171C>T, p.Ile57= (NM_001195304.2); c.38-6091C>T (NM_001195306.2); c.-29-6091C>T (NM_001243783.3); c.38-7177C>T (NM_001195307.2).
Identifiers: ClinVar variation 3357973 (VCV003357973.1).

ClinVar aggregate classification (germline): Likely benign (0 of 4 stars; one submission).

Conditions:
BBIP1-related disorder. Also called: BBIP1-related condition.

gnomAD v4.1: 2 of 697,996 alleles (0.00029%); highest among the groups gnomAD compares: African/African-American, 0.0018%; no homozygotes.

Submission:

PreventionGenetics, part of Exact Sciences
Classification: Likely benign for BBIP1-related condition. Last evaluated: 2024-03-22. Review status: no assertion criteria provided. Collection method: clinical testing. Allele origin: germline.
Comment: This variant is classified as likely benign based on ACMG/AMP sequence variant interpretation guidelines (Richards et al. 2015 PMID: 25741868, with internal and published modifications).